The following is an entry in ClinVar:

NM_002299.4(LCT):c.3665A>G (p.Asn1222Ser)

Gene: LCT (lactase; minus strand). Cytogenetic location: 2q21.3.
Variant type: single nucleotide variant.
Coding change: c.3665A>G on transcript NM_002299.4 (MANE Select); coding-DNA position 3665, A replaced by G.
Protein change: p.Asn1222Ser; replaces asparagine 1222 with serine.
Molecular consequence: missense variant.
Genome position (GRCh38, 1-based): chr2:135,808,682, T>C on the plus strand (A>G on the coding strand, the complement: LCT is on the minus strand). VCF-style: chr2-135808682-T-C. GRCh37 (hg19) VCF-style: chr2-136566252-T-C.
Other names: short protein forms N1222S.
Identifiers: ClinVar variation 1481436 (VCV001481436.6), dbSNP rs1192088205, ClinGen allele CA348598949.

ClinVar aggregate classification (germline): Uncertain significance (1 of 4 stars; one submission).

Allele frequency attached by ClinVar (database versions not stated): gnomAD exomes below 0.00001 and 0.00002; gnomAD 0.00002; TOPMed 0.00002.
gnomAD v4.1: 12 of 1,614,040 alleles (0.00074%); highest among the groups gnomAD compares: East Asian, 0.022%; no homozygotes.

Submission:

Labcorp Genetics (formerly Invitae), Labcorp
Classification: Uncertain significance. Last evaluated: 2022-06-20. Review status: criteria provided, single submitter. Criteria: Invitae Variant Classification Sherloc (09022015). Collection method: clinical testing. Allele origin: germline.
Comment: This variant has not been reported in the literature in individuals affected with LCT-related conditions. This sequence change replaces asparagine with serine at codon 1222 of the LCT protein (p.Asn1222Ser). The asparagine residue is moderately conserved and there is a small physicochemical difference between asparagine and serine. This variant is present in population databases (no rsID available, gnomAD 0.04%). Algorithms developed to predict the effect of missense changes on protein structure and function are either unavailable or do not agree on the potential impact of this missense change (SIFT: "Not Available"; PolyPhen-2: "Benign"; Align-GVGD: "Not Available"). In summary, the available evidence is currently insufficient to determine the role of this variant in disease. Therefore, it has been classified as a Variant of Uncertain Significance.